The following is an entry in ClinVar:

NM_015629.4(PRPF31):c.3G>C (p.Met1Ile)

Gene: PRPF31 (pre-mRNA processing factor 31; plus strand). Cytogenetic location: 19q13.42.
Variant type: single nucleotide variant.
Coding change: c.3G>C on transcript NM_015629.4 (MANE Select); coding-DNA position 3, G replaced by C.
Protein change: p.Met1Ile; changes the start codon (methionine 1).
Molecular consequence: missense variant, initiator codon variant.
Genome position (GRCh38, 1-based): chr19:54,118,281, G>C. VCF-style: chr19-54118281-G-C. GRCh37 (hg19) VCF-style: chr19-54621661-G-C.
Other names: short protein forms M1I.
Identifiers: ClinVar variation 2818311 (VCV002818311.3), dbSNP rs1600324262, ClinGen allele CA407788938.

ClinVar aggregate classification (germline): Pathogenic (1 of 4 stars; one submission).

Submission:

Labcorp Genetics (formerly Invitae), Labcorp
Classification: Pathogenic. Last evaluated: 2022-12-03. Review status: criteria provided, single submitter. Criteria: Invitae Variant Classification Sherloc (09022015). Collection method: clinical testing. Allele origin: germline.
Comment: For these reasons, this variant has been classified as Pathogenic. Algorithms developed to predict the effect of sequence changes on RNA splicing suggest that this variant may create or strengthen a splice site. Disruption of the initiator codon has been observed in individuals with retinitis pigmentosa (PMID: 28041643; Invitae). This variant is not present in population databases (gnomAD no frequency). This sequence change affects the initiator methionine of the PRPF31 mRNA. The next in-frame methionine is located at codon 59.

Literature cited by the submitters: PubMed 28041643.